The following is an entry in ClinVar:

NM_006440.5(TXNRD2):c.68C>A (p.Ala23Glu)

Genes: TXNRD2 (thioredoxin reductase 2; minus strand), LOC130066960 (ATAC-STARR-seq lymphoblastoid silent region 13467; plus strand). Cytogenetic location: 22q11.21.
Variant type: single nucleotide variant.
Coding change: c.68C>A on transcript NM_006440.5 (MANE Select); coding-DNA position 68, C replaced by A.
Protein change: p.Ala23Glu; replaces alanine 23 with glutamic acid.
Molecular consequence: missense variant. On other transcripts: non-coding transcript variant (1).
Genome position (GRCh38, 1-based): chr22:19,941,736, G>T on the plus strand (C>A on the coding strand, the complement: TXNRD2 is on the minus strand). VCF-style: chr22-19941736-G-T. GRCh37 (hg19) VCF-style: chr22-19929259-G-T.
Other names: c.68C>A, p.Ala23Glu (NM_001282512.3, NM_001352300.2); short protein forms A23E.
Identifiers: ClinVar variation 506750 (VCV000506750.15), dbSNP rs532340383, ClinGen allele CA10104410.

ClinVar aggregate classification (germline): Benign/Likely benign. Review status: criteria provided, multiple submitters, no conflicts (2 of 4 stars). 5 submissions from 5 submitters: Benign (2); Likely benign (3). Last evaluated 2025-07-06.

Conditions:
TXNRD2-related disorder. Also called: TXNRD2-related condition.
Primary dilated cardiomyopathy (DCM). Also called: Dilated Cardiomyopathy. Identifiers: Orphanet 217604, MedGen C0007193, MeSH D002311, MONDO:0005021, HP:0001644. Inheritance: Various modes of inheritance.
Cardiovascular phenotype. Identifiers: MedGen CN230736.

Allele frequency attached by ClinVar (database versions not stated): gnomAD below 0.00001 and 0.00029; TOPMed 0.00007; 1000 Genomes Project 0.00200; 1000 Genomes Project 30x 0.00359; ExAC 0.00860.
gnomAD v4.1: 785 of 1,492,076 alleles (0.053%); highest among the groups gnomAD compares: South Asian, 0.95%; 14 homozygotes.

Submissions (5):

Labcorp Genetics (formerly Invitae), Labcorp
Classification: Benign for Primary dilated cardiomyopathy. Last evaluated: 2025-07-06. Review status: criteria provided, single submitter. Criteria: Invitae Variant Classification Sherloc (09022015). Collection method: clinical testing. Allele origin: germline.

PreventionGenetics, part of Exact Sciences
Classification: Likely benign for TXNRD2-related condition. Last evaluated: 2024-12-05. Review status: criteria provided, single submitter. Criteria: ACMG Guidelines, 2015. Collection method: clinical testing. Allele origin: germline.
Comment: This variant is classified as likely benign based on ACMG/AMP sequence variant interpretation guidelines (Richards et al. 2015 PMID: 25741868, with internal and published modifications).

Ambry Genetics
Classification: Benign for Cardiovascular phenotype. Last evaluated: 2018-01-15. Review status: criteria provided, single submitter. Criteria: Ambry Variant Classification Scheme 2023. Collection method: clinical testing. Allele origin: germline.

GeneDx
Classification: Likely benign. Last evaluated: 2017-11-21. Review status: criteria provided, single submitter. Criteria: GeneDx Variant Classification (06012015). Collection method: clinical testing. Allele origin: germline. Affected: yes.
Comment: This variant is considered likely benign or benign based on one or more of the following criteria: it is a conservative change, it occurs at a poorly conserved position in the protein, it is predicted to be benign by multiple in silico algorithms, and/or has population frequency not consistent with disease.

Breakthrough Genomics
Classification: Likely benign. Review status: criteria provided, single submitter. Criteria: ACMG Guidelines, 2015. Collection method: not provided. Allele origin: germline. Inheritance: Autosomal recessive inheritance. Affected: yes.